The following is an entry in ClinVar:

ClinVar aggregate classification (germline): Uncertain significance. Review status: criteria provided, single submitter (1 of 4 stars). 2 submissions from 2 submitters: Uncertain significance (1). 1 of the submissions does not count toward it. Last evaluated 2024-08-07.

Conditions:
Multiple endocrine neoplasia, type 1 (MEN1). Also called: MEA I; MEN I; WERMER SYNDROME; Endocrine adenomatosis multiple; MEN 1. Identifiers: Orphanet 652, MedGen C0025267, MeSH D018761, MONDO:0007540, OMIM 131100.

Submissions (2):

MVZ Medizinische Genetik Mainz
Classification: Uncertain significance for Multiple endocrine neoplasia, type 1. Last evaluated: 2024-08-07. Review status: criteria provided, single submitter. Criteria: UK Practice Guidelines For Variant Classification V4 01 2020. Collection method: clinical testing. Allele origin: germline. Inheritance: Autosomal dominant inheritance. Affected: yes. Observed: 1 variant allele.
Comment: ACMG Criteria: PP3_MOD,PM2_SUP,PP2,PP4

Clinical Genetics Laboratory, University Hospital Schleswig-Holstein
Classification: Likely pathogenic for Multiple endocrine neoplasia, type 1. Last evaluated: 2024-09-19. Review status: no assertion criteria provided. Collection method: clinical testing. Allele origin: germline. Affected: yes. Not counted in ClinVar's aggregate classification.

NM_001370259.2(MEN1):c.773A>C (p.Gln258Pro)

Gene: MEN1 (menin 1; minus strand). Cytogenetic location: 11q13.1.
Variant type: single nucleotide variant.
Coding change: c.773A>C on transcript NM_001370259.2 (MANE Select); coding-DNA position 773, A replaced by C.
Protein change: p.Gln258Pro; replaces glutamine 258 with proline.
Molecular consequence: missense variant. On other transcripts: non-coding transcript variant (4).
Genome position (GRCh38, 1-based): chr11:64,807,562, T>G on the plus strand (A>C on the coding strand, the complement: MEN1 is on the minus strand). VCF-style: chr11-64807562-T-G. GRCh37 (hg19) VCF-style: chr11-64575034-T-G.
Other names: c.668A>C, p.Gln223Pro (NM_001407151.1, NM_001370262.2, NM_001370263.2 and 2 more transcripts); c.773A>C, p.Gln258Pro (NM_001407152.1, NM_130799.3, NM_001370251.2 and 7 more transcripts); c.788A>C, p.Gln263Pro (NM_130800.3, NM_130801.3, NM_130802.3 and 5 more transcripts); short protein forms Q223P, Q258P, Q263P.
Identifiers: ClinVar variation 3338389 (VCV003338389.2).